The following is an entry in ClinVar:

ClinVar aggregate classification (germline): Uncertain significance (1 of 4 stars; one submission).

Conditions:
Hereditary spastic paraplegia 11. Also called: SPASTIC PARAPLEGIA, AUTOSOMAL RECESSIVE, COMPLICATED, WITH THIN CORPUS CALLOSUM; SPASTIC PARAPLEGIA, AUTOSOMAL RECESSIVE, WITH MENTAL IMPAIRMENT AND THIN CORPUS CALLOSUM; Spastic Paraplegia 11; Spastic paraplegia, mental retardation and thin corpus callosum; Nakamura Osame syndrome; Autosomal recessive hereditary spastic paraplegia, mental impairment, and thin corpus callosum. Identifiers: Orphanet 2822, MedGen C1858479, MONDO:0011445, OMIM 604360.

Submission:

Labcorp Genetics (formerly Invitae), Labcorp
Classification: Uncertain significance for Hereditary spastic paraplegia 11. Last evaluated: 2022-07-19. Review status: criteria provided, single submitter. Criteria: Invitae Variant Classification Sherloc (09022015). Collection method: clinical testing. Allele origin: germline.
Comment: In summary, the available evidence is currently insufficient to determine the role of this variant in disease. Therefore, it has been classified as a Variant of Uncertain Significance. Algorithms developed to predict the effect of sequence changes on RNA splicing suggest that this variant is not likely to affect RNA splicing. This variant has not been reported in the literature in individuals affected with SPG11-related conditions. This variant is not present in population databases (gnomAD no frequency). This sequence change affects codon 86 of the SPG11 mRNA. It is a 'silent' change, meaning that it does not change the encoded amino acid sequence of the SPG11 protein. It affects a nucleotide within the consensus splice site.

NM_025137.4(SPG11):c.258C>T (p.His86=)

Gene: SPG11 (SPG11 vesicle trafficking associated, spatacsin; minus strand). Cytogenetic location: 15q21.1.
Variant type: single nucleotide variant.
Coding change: c.258C>T on transcript NM_025137.4 (MANE Select); coding-DNA position 258, C replaced by T.
Protein change: p.His86=; no amino-acid change (histidine 86 retained).
Molecular consequence: synonymous variant.
Genome position (GRCh38, 1-based): chr15:44,660,616, G>A on the plus strand (C>T on the coding strand, the complement: SPG11 is on the minus strand). VCF-style: chr15-44660616-G-A. GRCh37 (hg19) VCF-style: chr15-44952814-G-A.
Other names: c.258C>T, p.His86= (NM_001160227.2, NM_001411132.1).
Identifiers: ClinVar variation 2040701 (VCV002040701.4), dbSNP rs1166792552, ClinGen allele CA490208511.